The following is an entry in ClinVar:

ClinVar aggregate classification (germline): Uncertain significance (1 of 4 stars; one submission).

Conditions:
Glycogen storage disease due to muscle beta-enolase deficiency (GSD13). Also called: Glycogen Storage Disease Type XIII; ENOLASE 3 DEFICIENCY; ENOLASE-BETA DEFICIENCY; GSD XIII. Identifiers: Orphanet 99849, MedGen C2752027, MONDO:0013046, OMIM 612932.

Allele frequency attached by ClinVar (database versions not stated): gnomAD exomes 0.00001 and 0.00008; ExAC 0.00002; gnomAD 0.00006 and 0.00011; TOPMed 0.00006.

Submission:

Labcorp Genetics (formerly Invitae), Labcorp
Classification: Uncertain significance for Glycogen storage disease due to muscle beta-enolase deficiency. Last evaluated: 2022-05-07. Review status: criteria provided, single submitter. Criteria: Invitae Variant Classification Sherloc (09022015). Collection method: clinical testing. Allele origin: germline.
Comment: In summary, the available evidence is currently insufficient to determine the role of this variant in disease. Therefore, it has been classified as a Variant of Uncertain Significance. ClinVar contains an entry for this variant (Variation ID: 640288). This variant has not been reported in the literature in individuals affected with ENO3-related conditions. This variant is present in population databases (rs751624358, gnomAD 0.003%). This sequence change creates a premature translational stop signal (p.Val311Glyfs*10) in the ENO3 gene. It is expected to result in an absent or disrupted protein product. However, the current clinical and genetic evidence is not sufficient to establish whether loss-of-function variants in ENO3 cause disease.

NM_053013.4(ENO3):c.926_929dup (p.Val311fs)

Gene: ENO3 (enolase 3; plus strand). Cytogenetic location: 17p13.2.
Variant type: Duplication.
Coding change: c.926_929dup on transcript NM_053013.4 (MANE Select); coding-DNA positions 926 to 929, 4 bases duplicated (CGGG; older notation c.926_929dupCGGG).
Protein change: p.Val311fs; shifts the reading frame from valine 311.
Molecular consequence: frameshift variant.
Genome position (GRCh38, 1-based): chr17:4,956,002-4,956,005, CGGG duplicated. VCF-style (leftmost placement, unchanged base first): chr17-4956001-T-TCGGG. GRCh37 (hg19) VCF-style: chr17-4859296-T-TCGGG.
Other names: c.797_800dup, p.Val268fs (NM_001193503.2); c.926_929dup, p.Val311fs (NM_001976.5); short protein forms V311fs, V268fs.
Identifiers: ClinVar variation 640288 (VCV000640288.4), dbSNP rs751624358, ClinGen allele CA8316496.